The following is an entry in ClinVar:

NM_030632.3(ASXL3):c.3287C>T (p.Thr1096Met)

Gene: ASXL3 (ASXL transcriptional regulator 3; plus strand). Cytogenetic location: 18q12.1.
Variant type: single nucleotide variant.
Coding change: c.3287C>T on transcript NM_030632.3 (MANE Select); coding-DNA position 3287, C replaced by T.
Protein change: p.Thr1096Met; replaces threonine 1096 with methionine.
Molecular consequence: missense variant.
Genome position (GRCh38, 1-based): chr18:33,743,135, C>T. VCF-style: chr18-33743135-C-T. GRCh37 (hg19) VCF-style: chr18-31323099-C-T.
Other names: short protein forms T1096M.
Identifiers: ClinVar variation 2466558 (VCV002466558.10), dbSNP rs369125364, ClinGen allele CA8934059.
Genomic context (GRCh38, chr18:33,743,135, plus strand): 5'-TGGCTGCTGCAGCGAGCATTGTCTCTGGAGCCATGGGAAGTCCAGGAGAGGGTGGAAAGA[C>T]GAGAACTCTGGCACACATCAAAGAGCAGACAAAGGCTAAGCTCTTTGCAAAGCATCAAGC-3'
Protein context (NP_085135.1, residues 1086-1106): AMGSPGEGGK[Thr1096Met]RTLAHIKEQT

ClinVar aggregate classification (germline): Likely benign. Review status: criteria provided, multiple submitters, no conflicts (2 of 4 stars). 2 submissions from 2 submitters: Likely benign (2). Last evaluated 2025-08-01.

Conditions:
Inborn genetic diseases. Identifiers: MedGen C0950123, MeSH D030342.

Allele frequency attached by ClinVar (database versions not stated): gnomAD 0.00007; ESP Exome Variant Server 0.00008; TOPMed 0.00009; ExAC 0.00014.
gnomAD v4.1: 107 of 1,613,720 alleles (0.0066%); highest among the groups gnomAD compares: Middle Eastern, 0.049%; no homozygotes.

Submissions (2):

CeGaT Center for Human Genetics Tuebingen
Classification: Likely benign. Last evaluated: 2025-08-01. Review status: criteria provided, single submitter. Criteria: CeGaT Center For Human Genetics Tuebingen Variant Classification Criteria Version 2. Collection method: clinical testing. Allele origin: germline. Affected: yes. Observed: 1 variant allele.
Comment: ASXL3: BP4, BS2

Ambry Genetics
Classification: Likely benign for Inborn genetic diseases. Last evaluated: 2023-01-27. Review status: criteria provided, single submitter. Criteria: Ambry Variant Classification Scheme 2023. Collection method: clinical testing. Allele origin: germline.